The following is an entry in ClinVar:

NC_000004.11:g.(?_106290882)_(106395207_?)del

Gene: PPA2 (inorganic pyrophosphatase 2; minus strand). Cytogenetic location: 4q24.
Variant type: Deletion.
Identifiers: ClinVar variation 2427549 (VCV002427549.3).

ClinVar aggregate classification (germline): Uncertain significance (1 of 4 stars; one submission).

Submission:

Labcorp Genetics (formerly Invitae), Labcorp
Classification: Uncertain significance. Last evaluated: 2022-05-01. Review status: criteria provided, single submitter. Criteria: Invitae Variant Classification Sherloc (09022015). Collection method: clinical testing. Allele origin: germline.
Comment: A gross deletion of the genomic region encompassing the full coding sequence of the PPA2 gene has been identified. The current clinical and genetic evidence is not sufficient to establish whether loss-of-function variants in PPA2 cause disease. The boundaries of this event are unknown as they extend beyond the assayed region for this gene and therefore may encompass additional genes. This variant has not been reported in the literature in individuals affected with PPA2-related conditions. In summary, the available evidence is currently insufficient to determine the role of this variant in disease. Therefore, it has been classified as a Variant of Uncertain Significance.